The following is an entry in ClinVar:

ClinVar aggregate classification (germline): Uncertain significance. Review status: reviewed by expert panel (3 of 4 stars). 4 submissions from 4 submitters: Uncertain significance (1). 3 of the submissions do not count toward it. Last evaluated 2020-05-08.

Conditions:
Phenylketonuria (PKU). Also called: Phenylketonurias; FOLLING DISEASE; Phenylketonuria (PKU); OLIGOPHRENIA PHENYLPYRUVICA. Identifiers: Orphanet 716, MedGen C0031485, MONDO:0009861, OMIM 261600. Disease mechanism: loss of function.

Allele frequency attached by ClinVar (database versions not stated): gnomAD exomes 0.00001 and 0.00002; ExAC 0.00002; TOPMed 0.00002.
gnomAD v4.1: 21 of 1,613,540 alleles (0.0013%); highest among the groups gnomAD compares: East Asian, 0.033%; no homozygotes.

Submissions (4):

ClinGen PAH Variant Curation Expert Panel
Classification: Uncertain significance for Phenylketonuria. Last evaluated: 2020-05-08. Review status: reviewed by expert panel. Criteria: ClinGen PAH ACMG Specifications v1. Collection method: curation. Allele origin: germline. Inheritance: Autosomal recessive inheritance.
Comment: The c.1136T>C (p.Val379Ala) PAH variant has been reported in at least two mild HPA probrands with exclusion of BH4 deficiency (PMID: 21307867). This variant is found at an extremely low frequency (0.0001737) in the gnomAD Latino population. It is a missense variant predicted deleterious by SIFT (damaging) and MutationTaster (disease causing), with a REVEL score of 0.796. In summary, this variant meets criteria to be classified as uncertain significance for PAH. PAH-specific ACMG/AMP criteria applied: PM2, PP3, PP4_moderate.

Myriad Genetics, Inc.
Classification: Uncertain significance for Phenylketonuria. Last evaluated: 2026-05-27. Review status: criteria provided, single submitter. Criteria: Myriad Autosomal Dominant, Autosomal Recessive and X-Linked Classification Criteria (2023). Collection method: clinical testing. Allele origin: unknown. Not counted in ClinVar's aggregate classification.
Comment: NM_000277.1(PAH):c.1136T>C(V379A) is a missense variant classified as a variant of uncertain significance in the context of phenylalanine hydroxylase deficiency. V379A has been observed in cases with relevant disease (PMID: 33803550, 21307867). Relevant functional assessments of this variant are not available in the literature. V379A has been observed in referenced population frequency databases. In summary, there is insufficient evidence to classify NM_000277.1(PAH):c.1136T>C(V379A) as pathogenic or benign. Please note: this variant was assessed in the context of healthy population screening.

Natera, Inc.
Classification: Likely pathogenic for Phenylketonuria. Last evaluated: 2025-11-05. Review status: criteria provided, single submitter. Criteria: Natera Variant Classification Schema (03/2026). Collection method: clinical testing. Allele origin: germline. Not counted in ClinVar's aggregate classification.
Comment: The c.1136T>C variant in PAH is a missense variant predicted to cause substitution of valine to alanine at amino acid 379. This variant is rare in the general population with a frequency below the threshold expected for the associated phenotype(s). This variant has been observed in one or more individuals affected with the associated recessive disease, as either homozygous or compound heterozygous with a second variant (PMID: 33803550). Given the available evidence, this variant is classified as Likely Pathogenic.

Quest Diagnostics Nichols Institute San Juan Capistrano
Classification: Uncertain significance. Last evaluated: 2022-10-13. Review status: criteria provided, single submitter. Criteria: Quest Diagnostics criteria. Collection method: clinical testing. Allele origin: unknown. Not counted in ClinVar's aggregate classification.
Comment: The frequency of this variant in the general population, 0.00017 (6/34544 chromosomes), is uninformative in assessment of its pathogenicity. In the published literature, the variant has been reported in individuals with Hyperphenylalaninenemia (HPA) (PMID: 33803550 (2021) and 21307867 (2011)). Analysis of this variant using bioinformatics tools for the prediction of the effect of amino acid changes on protein structure and function yielded predictions that this variant is damaging. Based on the available information, we are unable to determine the clinical significance of this variant.

Literature cited by the submitters: PubMed 21307867 (cited by Myriad Genetics, Inc. and Quest Diagnostics Nichols Institute San Juan Capistrano); PubMed 33803550 (cited by 3 submitters).

NM_000277.3(PAH):c.1136T>C (p.Val379Ala)

Gene: PAH (phenylalanine hydroxylase; minus strand). Cytogenetic location: 12q23.2.
Variant type: single nucleotide variant.
Coding change: c.1136T>C on transcript NM_000277.3 (MANE Select); coding-DNA position 1136, T replaced by C.
Protein change: p.Val379Ala; replaces valine 379 with alanine.
Molecular consequence: missense variant.
Genome position (GRCh38, 1-based): chr12:102,843,709, A>G on the plus strand (T>C on the coding strand, the complement: PAH is on the minus strand). VCF-style: chr12-102843709-A-G. GRCh37 (hg19) VCF-style: chr12-103237487-A-G.
Other names: NM_001354304.2:c.1136T>C; c.1136T>C (NM_000277.2, NM_000277.1); c.1136T>C, p.Val379Ala (NM_001354304.2); short protein forms V379A.
Identifiers: ClinVar variation 1693226 (VCV001693226.7), dbSNP rs746203167, ClinGen allele CA6748738.